The following is an entry in ClinVar:

ClinVar aggregate classification (germline): Uncertain significance (1 of 4 stars; one submission).

Allele frequency attached by ClinVar (database versions not stated): gnomAD exomes below 0.00001.
gnomAD v4.1: 1 of 1,613,998 alleles (0.000062%); highest among the groups gnomAD compares: South Asian, 0.0011%; no homozygotes.

Submission:

Labcorp Genetics (formerly Invitae), Labcorp
Classification: Uncertain significance. Last evaluated: 2022-09-01. Review status: criteria provided, single submitter. Criteria: Invitae Variant Classification Sherloc (09022015). Collection method: clinical testing. Allele origin: germline.
Comment: This sequence change falls in intron 89 of the COL7A1 gene. It does not directly change the encoded amino acid sequence of the COL7A1 protein. It affects a nucleotide within the consensus splice site. This variant is present in population databases (no rsID available, gnomAD 0.003%). This variant has not been reported in the literature in individuals affected with COL7A1-related conditions. ClinVar contains an entry for this variant (Variation ID: 1422091). Variants that disrupt the consensus splice site are a relatively common cause of aberrant splicing (PMID: 17576681, 9536098). Algorithms developed to predict the effect of sequence changes on RNA splicing suggest that this variant is not likely to affect RNA splicing. In summary, the available evidence is currently insufficient to determine the role of this variant in disease. Therefore, it has been classified as a Variant of Uncertain Significance.

Literature cited by the submitters: PubMed 17576681; PubMed 9536098.

NM_000094.4(COL7A1):c.6978+6T>C

Gene: COL7A1 (collagen type VII alpha 1 chain; minus strand). Cytogenetic location: 3p21.31.
Variant type: single nucleotide variant.
Coding change: c.6978+6T>C on transcript NM_000094.4 (MANE Select); 6 bases into the intron after coding-DNA position 6978, T replaced by C.
Molecular consequence: intron variant.
Genome position (GRCh38, 1-based): chr3:48,572,374, A>G on the plus strand (T>C on the coding strand, the complement: COL7A1 is on the minus strand). VCF-style: chr3-48572374-A-G. GRCh37 (hg19) VCF-style: chr3-48609807-A-G.
Identifiers: ClinVar variation 1422091 (VCV001422091.3), dbSNP rs1223788979, ClinGen allele CA543045701.